The following is an entry in ClinVar:

ClinVar aggregate classification (germline): Uncertain significance (1 of 4 stars; one submission).

Submission:

GeneDx
Classification: Uncertain significance. Last evaluated: 2025-03-24. Review status: criteria provided, single submitter. Criteria: GeneDx Variant Classification Process June 2021. Collection method: clinical testing. Allele origin: germline. Affected: yes.
Comment: Not observed at significant frequency in large population cohorts (gnomAD); In silico analysis supports that this missense variant has a deleterious effect on protein structure/function; Has not been previously published as pathogenic or benign to our knowledge

NM_003238.6(TGFB2):c.1115C>G (p.Pro372Arg)

Gene: TGFB2 (transforming growth factor beta 2; plus strand). Cytogenetic location: 1q41.
Variant type: single nucleotide variant.
Coding change: c.1115C>G on transcript NM_003238.6 (MANE Select); coding-DNA position 1115, C replaced by G.
Protein change: p.Pro372Arg; replaces proline 372 with arginine.
Molecular consequence: missense variant. On other transcripts: non-coding transcript variant (2).
Genome position (GRCh38, 1-based): chr1:218,441,232, C>G. VCF-style: chr1-218441232-C-G. GRCh37 (hg19) VCF-style: chr1-218614574-C-G.
Other names: c.1199C>G, p.Pro400Arg (NM_001135599.4); short protein forms P372R, P400R.
Identifiers: ClinVar variation 4088142 (VCV004088142.1).